The following is an entry in ClinVar:

NM_025132.4(WDR19):c.490G>A (p.Val164Ile)

Gene: WDR19 (WD repeat domain 19; plus strand). Cytogenetic location: 4p14.
Variant type: single nucleotide variant.
Coding change: c.490G>A on transcript NM_025132.4 (MANE Select); coding-DNA position 490, G replaced by A.
Protein change: p.Val164Ile; replaces valine 164 with isoleucine.
Molecular consequence: missense variant.
Genome position (GRCh38, 1-based): chr4:39,199,561, G>A. VCF-style: chr4-39199561-G-A. GRCh37 (hg19) VCF-style: chr4-39201181-G-A.
Other names: c.10G>A, p.Val4Ile (NM_001317924.2); short protein forms V164I, V4I.
Identifiers: ClinVar variation 811687 (VCV000811687.23), dbSNP rs199514431, ClinGen allele CA2891631.
Genomic context (GRCh38, chr4:39,199,561, plus strand): 5'-TGTGGATGTTGGAATGCAGAAAATCTGCTTGCTTTAGGTGGTGAAGATAAAATGATTACA[G>A]TTAGTAATCAGGAAGGTGACACGATAAGACAGGTAATACAGTAACGTCTCTTTGGTCTGA-3'
Protein context (NP_079408.3, residues 154-174): ALGGEDKMIT[Val164Ile]SNQEGDTIRQ

ClinVar aggregate classification (germline): Conflicting classifications of pathogenicity. Review status: criteria provided, conflicting classifications (1 of 4 stars). 8 submissions from 7 submitters: Uncertain significance (7); Likely benign (1). Last evaluated 2024-09-17.

Conditions:
Spermatogenic failure 72 (SPGF72). Identifiers: MedGen C5676980, MONDO:0030809, OMIM 619867.
Senior-Loken syndrome 8 (SLSN8). Identifiers: Orphanet 3156, MedGen C4225376, MONDO:0014579, OMIM 616307.
Nephronophthisis 13 (NPHP13). Identifiers: Orphanet 655, MedGen C3280612, MONDO:0013718, OMIM 614377.
Asphyxiating thoracic dystrophy 5 (SRTD5). Also called: SHORT-RIB THORACIC DYSPLASIA 5 WITHOUT POLYDACTYLY; SHORT-RIB THORACIC DYSPLASIA 5 WITH OR WITHOUT POLYDACTYLY. Identifiers: Orphanet 474, MedGen C3280598, MONDO:0013717, OMIM 614376.
Cranioectodermal dysplasia 4 (CED4). Identifiers: Orphanet 1515, MedGen C3280616, MONDO:0013719, OMIM 614378.

Allele frequency attached by ClinVar (database versions not stated): ExAC 0.00019; gnomAD exomes 0.00027 and 0.00048; ESP Exome Variant Server 0.00042; gnomAD 0.00048 and 0.00051; TOPMed 0.00055.
gnomAD v4.1: 788 of 1,612,968 alleles (0.049%); highest among the groups gnomAD compares: Non-Finnish European, 0.06%; no homozygotes.

Submissions (8):

Blueprint Genetics
Classification: Likely benign. Last evaluated: 2024-09-17. Review status: criteria provided, single submitter. Criteria: ACMG Guidelines, 2015. Collection method: clinical testing. Allele origin: germline.

Fulgent Genetics
Classification: Uncertain significance for Asphyxiating thoracic dystrophy 5; Nephronophthisis 13; Cranioectodermal dysplasia 4; Senior-Loken syndrome 8; Spermatogenic failure 72. Last evaluated: 2024-01-11. Review status: criteria provided, single submitter. Criteria: ACMG Guidelines, 2015. Collection method: clinical testing. Allele origin: germline.

Labcorp Genetics (formerly Invitae), Labcorp
Classification: Uncertain significance for Senior-Loken syndrome 8; Asphyxiating thoracic dystrophy 5. Last evaluated: 2022-10-24. Review status: criteria provided, single submitter. Criteria: Invitae Variant Classification Sherloc (09022015). Collection method: clinical testing. Allele origin: germline.
Comment: This sequence change replaces valine, which is neutral and non-polar, with isoleucine, which is neutral and non-polar, at codon 164 of the WDR19 protein (p.Val164Ile). This variant is present in population databases (rs199514431, gnomAD 0.05%). This variant has not been reported in the literature in individuals affected with WDR19-related conditions. ClinVar contains an entry for this variant (Variation ID: 811687). Advanced modeling of protein sequence and biophysical properties (such as structural, functional, and spatial information, amino acid conservation, physicochemical variation, residue mobility, and thermodynamic stability) performed at Invitae indicates that this missense variant is not expected to disrupt WDR19 protein function. In summary, the available evidence is currently insufficient to determine the role of this variant in disease. Therefore, it has been classified as a Variant of Uncertain Significance.

GeneDx
Classification: Uncertain significance. Last evaluated: 2020-09-18. Review status: criteria provided, single submitter. Criteria: GeneDx Variant Classification Process June 2021. Collection method: clinical testing. Allele origin: germline. Affected: yes.
Comment: In silico analysis, which includes protein predictors and evolutionary conservation, supports that this variant does not alter protein structure/function; Has not been previously published as pathogenic or benign to our knowledge

ARUP Laboratories, Molecular Genetics and Genomics, ARUP Laboratories
Classification: Uncertain significance. Last evaluated: 2020-01-13. Review status: criteria provided, single submitter. Criteria: ARUP Molecular Germline Variant Investigation Process. Collection method: clinical testing. Allele origin: germline.
Comment: The WDR19 c.490G>A; p.Val164Ile variant (rs199514431), to our knowledge, is not reported in the medical literature or gene-specific databases. This variant is found in the general population with an overall allele frequency of 0.03% (85/280312 alleles) in the Genome Aggregation Database. The valine at codon 164 is moderately conserved, it occurs as an isoleucine in multiple vertebrate species, and computational analyses (SIFT, PolyPhen-2) predict that this variant is tolerated. However, due to limited information, the clinical significance of the p.Val164Ile variant is uncertain at this time.

Genetic Services Laboratory, University of Chicago
Classification: Uncertain significance. Last evaluated: 2018-02-28. Review status: criteria provided, single submitter. Criteria: ACMG Guidelines, 2015. Collection method: clinical testing. Allele origin: germline. Affected: no.

Illumina Laboratory Services, Illumina
Classification: Uncertain significance for Cranioectodermal dysplasia 4. Last evaluated: 2018-01-13. Review status: criteria provided, single submitter. Criteria: ICSL Variant Classification Criteria 13 December 2019. Collection method: clinical testing. Allele origin: germline.

Illumina Laboratory Services, Illumina
Classification: Uncertain significance for Asphyxiating thoracic dystrophy 5. Last evaluated: 2018-01-13. Review status: criteria provided, single submitter. Criteria: ICSL Variant Classification Criteria 13 December 2019. Collection method: clinical testing. Allele origin: germline.